The following is an entry in ClinVar:

NM_006946.4(SPTBN2):c.1266G>C (p.Lys422Asn)

Gene: SPTBN2 (spectrin beta, non-erythrocytic 2; minus strand). Cytogenetic location: 11q13.2.
Variant type: single nucleotide variant.
Coding change: c.1266G>C on transcript NM_006946.4 (MANE Select); coding-DNA position 1266, G replaced by C.
Protein change: p.Lys422Asn; replaces lysine 422 with asparagine.
Molecular consequence: missense variant.
Genome position (GRCh38, 1-based): chr11:66,708,225, C>G on the plus strand (G>C on the coding strand, the complement: SPTBN2 is on the minus strand). VCF-style: chr11-66708225-C-G. GRCh37 (hg19) VCF-style: chr11-66475696-C-G.
Other names: short protein forms K422N.
Identifiers: ClinVar variation 193891 (VCV000193891.8), dbSNP rs770892589, ClinGen allele CA239592.

ClinVar aggregate classification (germline): Uncertain significance. Review status: criteria provided, multiple submitters, no conflicts (2 of 4 stars). 3 submissions from 3 submitters: Uncertain significance (3). Last evaluated 2024-04-03.

Allele frequency attached by ClinVar (database versions not stated): gnomAD exomes 0.00001 and 0.00004; gnomAD 0.00002; TOPMed 0.00002; ExAC 0.00001.
gnomAD v4.1: 56 of 1,611,424 alleles (0.0035%); highest among the groups gnomAD compares: Non-Finnish European, 0.0046%; no homozygotes.

Submissions (3):

Labcorp Genetics (formerly Invitae), Labcorp
Classification: Uncertain significance. Last evaluated: 2024-04-03. Review status: criteria provided, single submitter. Criteria: Invitae Variant Classification Sherloc (09022015). Collection method: clinical testing. Allele origin: germline.
Comment: This sequence change replaces lysine, which is basic and polar, with asparagine, which is neutral and polar, at codon 422 of the SPTBN2 protein (p.Lys422Asn). This variant is present in population databases (rs770892589, gnomAD 0.002%). This variant has not been reported in the literature in individuals affected with SPTBN2-related conditions. ClinVar contains an entry for this variant (Variation ID: 193891). Advanced modeling of protein sequence and biophysical properties (such as structural, functional, and spatial information, amino acid conservation, physicochemical variation, residue mobility, and thermodynamic stability) has been performed at Invitae for this missense variant, however the output from this modeling did not meet the statistical confidence thresholds required to predict the impact of this variant on SPTBN2 protein function. In summary, the available evidence is currently insufficient to determine the role of this variant in disease. Therefore, it has been classified as a Variant of Uncertain Significance.

Athena Diagnostics
Classification: Uncertain significance. Last evaluated: 2020-04-16. Review status: criteria provided, single submitter. Criteria: Athena Diagnostics Criteria. Collection method: clinical testing. Allele origin: unknown.

Eurofins Ntd Llc (ga)
Classification: Uncertain significance. Last evaluated: 2014-11-23. Review status: criteria provided, single submitter. Criteria: EGL Classification Definitions 2015. Collection method: clinical testing. Allele origin: germline. Observed: 1 variant allele, 1 heterozygote.